The following is an entry in ClinVar:

ClinVar aggregate classification (germline): Uncertain significance. Review status: criteria provided, multiple submitters, no conflicts (2 of 4 stars). 2 submissions from 2 submitters: Uncertain significance (2). Last evaluated 2024-05-28.

Allele frequency attached by ClinVar (database versions not stated): TOPMed below 0.00001; gnomAD 0.00001; gnomAD exomes 0.00001.
gnomAD v4.1: 19 of 1,551,468 alleles (0.0012%); highest among the groups gnomAD compares: Non-Finnish European, 0.0015%; no homozygotes.

Submissions (2):

Ambry Genetics
Classification: Uncertain significance. Last evaluated: 2024-05-28. Review status: criteria provided, single submitter. Criteria: Ambry Variant Classification Scheme 2023. Collection method: clinical testing. Allele origin: germline.

Labcorp Genetics (formerly Invitae), Labcorp
Classification: Uncertain significance. Last evaluated: 2024-03-19. Review status: criteria provided, single submitter. Criteria: Invitae Variant Classification Sherloc (09022015). Collection method: clinical testing. Allele origin: germline.
Comment: This sequence change replaces aspartic acid, which is acidic and polar, with asparagine, which is neutral and polar, at codon 270 of the KPNA7 protein (p.Asp270Asn). This variant is present in population databases (no rsID available, gnomAD 0.006%). This variant has not been reported in the literature in individuals affected with KPNA7-related conditions. ClinVar contains an entry for this variant (Variation ID: 1390072). Advanced modeling of protein sequence and biophysical properties (such as structural, functional, and spatial information, amino acid conservation, physicochemical variation, residue mobility, and thermodynamic stability) performed at Invitae indicates that this missense variant is not expected to disrupt KPNA7 protein function with a negative predictive value of 80%. In summary, the available evidence is currently insufficient to determine the role of this variant in disease. Therefore, it has been classified as a Variant of Uncertain Significance.

NM_001145715.3(KPNA7):c.808G>A (p.Asp270Asn)

Gene: KPNA7 (karyopherin subunit alpha 7; minus strand). Cytogenetic location: 7q22.1.
Variant type: single nucleotide variant.
Coding change: c.808G>A on transcript NM_001145715.3 (MANE Select); coding-DNA position 808, G replaced by A.
Protein change: p.Asp270Asn; replaces aspartic acid 270 with asparagine.
Molecular consequence: missense variant.
Genome position (GRCh38, 1-based): chr7:99,188,392, C>T on the plus strand (G>A on the coding strand, the complement: KPNA7 is on the minus strand). VCF-style: chr7-99188392-C-T. GRCh37 (hg19) VCF-style: chr7-98786015-C-T.
Other names: c.808G>A (NM_001145715.1); short protein forms D270N.
Identifiers: ClinVar variation 1390072 (VCV001390072.7), dbSNP rs1370342038, ClinGen allele CA368419754.
Genomic context (GRCh38, chr7:99,188,392, plus strand): 5'-CTACCAGCCTGGGCAGGACCCCCGTGTTAACCACTTGGCCGATGCGCTTGTTGGAGCCGT[C>T]GGTGAGGTAGGACAGTGCCCAGCAGGCATCCGAGAGAACCTCACTGTCCTGGTGCTGCAG-3'
Protein context (NP_001139187.1, residues 260-280): DACWALSYLT[Asp270Asn]GSNKRIGQVV